The following is an entry in ClinVar:

NM_004667.6(HERC2):c.9726C>T (p.Asp3242=)

Gene: HERC2 (HECT and RLD domain containing E3 ubiquitin protein ligase 2; minus strand). Cytogenetic location: 15q13.1.
Variant type: single nucleotide variant.
Coding change: c.9726C>T on transcript NM_004667.6 (MANE Select); coding-DNA position 9726, C replaced by T.
Protein change: p.Asp3242=; no amino-acid change (aspartic acid 3242 retained).
Molecular consequence: synonymous variant.
Genome position (GRCh38, 1-based): chr15:28,175,617, G>A on the plus strand (C>T on the coding strand, the complement: HERC2 is on the minus strand). VCF-style: chr15-28175617-G-A. GRCh37 (hg19) VCF-style: chr15-28420763-G-A.
Identifiers: ClinVar variation 733174 (VCV000733174.38), dbSNP rs145255977, ClinGen allele CA7441078.

ClinVar aggregate classification (germline): Likely benign. Review status: criteria provided, multiple submitters, no conflicts (2 of 4 stars). 4 submissions from 4 submitters: Likely benign (4). Last evaluated 2025-12-01.

Allele frequency attached by ClinVar (database versions not stated): ESP Exome Variant Server 0.00008; TOPMed 0.00015; gnomAD 0.00017 and 0.00019; gnomAD exomes 0.00023 and 0.00026; ExAC 0.00029.
gnomAD v4.1: 361 of 1,614,000 alleles (0.022%); highest among the groups gnomAD compares: Non-Finnish European, 0.028%; no homozygotes.

Submissions (4):

CeGaT Center for Human Genetics Tuebingen
Classification: Likely benign. Last evaluated: 2025-12-01. Review status: criteria provided, single submitter. Criteria: CeGaT Center For Human Genetics Tuebingen Variant Classification Criteria Version 2. Collection method: clinical testing. Allele origin: germline. Affected: yes. Observed: 7 variant alleles.
Comment: HERC2: BP4, BP7

Blueprint Genetics
Classification: Likely benign. Last evaluated: 2024-11-27. Review status: criteria provided, single submitter. Criteria: ACMG Guidelines, 2015. Collection method: clinical testing. Allele origin: germline.

Labcorp Genetics (formerly Invitae), Labcorp
Classification: Likely benign. Last evaluated: 2019-12-31. Review status: criteria provided, single submitter. Criteria: Invitae Variant Classification Sherloc (09022015). Collection method: clinical testing. Allele origin: germline.

Breakthrough Genomics
Classification: Likely benign. Review status: criteria provided, single submitter. Criteria: ACMG Guidelines, 2015. Collection method: not provided. Allele origin: germline. Inheritance: Autosomal recessive inheritance. Affected: yes.